The following is an entry in ClinVar:

ClinVar aggregate classification (germline): Uncertain significance (1 of 4 stars; one submission).

Conditions:
Intellectual developmental disorder, X-linked 97. Also called: Intellectual disability, X-linked 97. Identifiers: Orphanet 777, MedGen C2749020, MONDO:0010430, OMIM 300803.

Allele frequency attached by ClinVar (database versions not stated): gnomAD 0.00001; gnomAD exomes below 0.00001; TOPMed below 0.00001; ESP Exome Variant Server 0.00009.
gnomAD v4.1: 2 of 1,209,501 alleles (0.00017%); highest among the groups gnomAD compares: African/African-American, 0.0035%; no homozygotes.

Submission:

Institute of Human Genetics, University of Leipzig Medical Center
Classification: Uncertain significance for Intellectual developmental disorder, X-linked 97. Last evaluated: 2019-04-08. Review status: criteria provided, single submitter. Criteria: ACMG Guidelines, 2015. Collection method: clinical testing. Allele origin: germline. Affected: yes. Observed: 1 variant allele.
Comment: This variant was identified as homozygous

NM_001330574.2(ZNF711):c.2173A>G (p.Lys725Glu)

Gene: ZNF711 (ZFX family zinc finger ZNF711; plus strand). Cytogenetic location: Xq21.1.
Variant type: single nucleotide variant.
Coding change: c.2173A>G on transcript NM_001330574.2 (MANE Select); coding-DNA position 2173, A replaced by G.
Protein change: p.Lys725Glu; replaces lysine 725 with glutamic acid.
Molecular consequence: missense variant.
Genome position (GRCh38, 1-based): chrX:85,271,577, A>G. VCF-style: chrX-85271577-A-G. GRCh37 (hg19) VCF-style: chrX-84526583-A-G.
Other names: c.2173A>G, p.Lys725Glu (NM_001375431.1, NM_001375432.1, NM_001375433.1); c.2035A>G, p.Lys679Glu (NM_001375434.1, NM_001375435.1, NM_001375436.1 and 2 more transcripts); short protein forms K679E, K725E.
Identifiers: ClinVar variation 975863 (VCV000975863.1), dbSNP rs367944400, ClinGen allele CA332538523.